The following is an entry in ClinVar:

ClinVar aggregate classification (germline): Uncertain significance. Review status: criteria provided, multiple submitters, no conflicts (2 of 4 stars). 2 submissions from 2 submitters: Uncertain significance (2). Last evaluated 2025-06-23.

Conditions:
Inborn genetic diseases. Identifiers: MedGen C0950123, MeSH D030342.
Glutamate pyruvate transaminase 2 deficiency (NEDSPM). Also called: Neurodevelopmental disorder with microcephaly and spastic paraplegia. Identifiers: Orphanet 477673, MedGen C4225388, MONDO:0014567, OMIM 616281.
GPT2-related neurodevelopmental disorder.

Allele frequency attached by ClinVar (database versions not stated): gnomAD exomes 0.00001; TOPMed 0.00001.

Submissions (2):

Ambry Genetics
Classification: Uncertain significance for Inborn genetic diseases. Last evaluated: 2025-06-23. Review status: criteria provided, single submitter. Criteria: Ambry Variant Classification Scheme 2023. Collection method: clinical testing. Allele origin: germline.
Comment: The c.328C>T (p.R110W) alteration is located in exon 3 (coding exon 2) of the GPT2 gene. This alteration results from a C to T substitution at nucleotide position 328, causing the arginine (R) at amino acid position 110 to be replaced by a tryptophan (W). Based on data from gnomAD, the T allele has an overall frequency of 0.0008% (2/251108) total alleles studied. The highest observed frequency was 0.01% (1/10058) of Ashkenazi Jewish alleles. This amino acid position is highly conserved in available vertebrate species. This alteration is predicted to be deleterious by in silico analysis. Based on insufficient or conflicting evidence, the clinical significance of this alteration remains unclear.

Victorian Clinical Genetics Services, Murdoch Childrens Research Institute
Classification: Uncertain significance for Glutamate pyruvate transaminase 2 deficiency. Last evaluated: 2022-03-31. Review status: criteria provided, single submitter. Criteria: ACMG Guidelines, 2015. Collection method: clinical testing. Allele origin: germline. Inheritance: Autosomal recessive inheritance. Affected: yes.
Comment: Based on the classification scheme VCGS_Germline_v1.3.4, this variant is classified as VUS-3A. Following criteria are met: 0102 - Loss of function is a known mechanism of disease in this gene and is associated with neurodevelopmental disorder with microcephaly and spastic paraplegia (MIM#616281). (I) 0106 - This gene is associated with autosomal recessive disease. (I) 0200 - Variant is predicted to result in a missense amino acid change from arginine to tryptophan. (I) 0251 - This variant is heterozygous. (I) 0304 - Variant is present in gnomAD (v2) <0.01 for a recessive condition (2 heterozygotes, 0 homozygotes). (SP) 0309 - An alternative amino acid change at the same position has been observed in gnomAD (v2) (3 heterozygotes, 0 homozygotes). (I) 0501 - Missense variant consistently predicted to be damaging by multiple in silico tools or highly conserved with a major amino acid change. (SP) 0600 - Variant is located in the annotated aminotransferase class I and II domain (DECIPHER). (I) 0705 - No comparable missense variants have previous evidence for pathogenicity. (I) 0807 - This variant has no previous evidence of pathogenicity. (I) 0905 - No published segregation evidence has been identified for this variant. (I) 1007 - No published functional evidence has been identified for this variant. (I) Legend: (SP) - Supporting pathogenic, (I) - Information, (SB) - Supporting benign

NM_133443.4(GPT2):c.328C>T (p.Arg110Trp)

Gene: GPT2 (glutamic--pyruvic transaminase 2; plus strand). Cytogenetic location: 16q11.2.
Variant type: single nucleotide variant.
Coding change: c.328C>T on transcript NM_133443.4 (MANE Select); coding-DNA position 328, C replaced by T.
Protein change: p.Arg110Trp; replaces arginine 110 with tryptophan.
Molecular consequence: missense variant.
Genome position (GRCh38, 1-based): chr16:46,897,732, C>T. VCF-style: chr16-46897732-C-T. GRCh37 (hg19) VCF-style: chr16-46931644-C-T.
Other names: c.28C>T, p.Arg10Trp (NM_001142466.3); c.328C>T (NM_133443.2); short protein forms R10W, R110W.
Identifiers: ClinVar variation 1805209 (VCV001805209.8), dbSNP rs1036407765, ClinGen allele CA280197832.